The following is an entry in ClinVar:

ClinVar aggregate classification (germline): Uncertain significance. Review status: criteria provided, multiple submitters, no conflicts (2 of 4 stars). 2 submissions from 2 submitters: Uncertain significance (2). Last evaluated 2024-12-04.

Conditions:
BAZ2B-related disorder. Also called: BAZ2B-related condition.
Inborn genetic diseases. Identifiers: MedGen C0950123, MeSH D030342.

Allele frequency attached by ClinVar (database versions not stated): ESP Exome Variant Server 0.00008; gnomAD 0.00008; TOPMed 0.00012.
gnomAD v4.1: 19 of 1,610,496 alleles (0.0012%); highest among the groups gnomAD compares: African/African-American, 0.02%; no homozygotes.

Submissions (2):

PreventionGenetics, part of Exact Sciences
Classification: Uncertain significance for BAZ2B-related condition. Last evaluated: 2024-12-04. Review status: criteria provided, single submitter. Criteria: ACMG Guidelines, 2015. Collection method: clinical testing. Allele origin: germline.
Comment: The BAZ2B c.556G>C variant is predicted to result in the amino acid substitution p.Val186Leu. To our knowledge, this variant has not been reported in the literature. This variant is reported in 0.012% of alleles in individuals of African descent in gnomAD. At this time, the clinical significance of this variant is uncertain due to the absence of conclusive functional and genetic evidence.

Ambry Genetics
Classification: Uncertain significance for Inborn genetic diseases. Last evaluated: 2023-12-16. Review status: criteria provided, single submitter. Criteria: Ambry Variant Classification Scheme 2023. Collection method: clinical testing. Allele origin: germline.

NM_013450.4(BAZ2B):c.562G>C (p.Val188Leu)

Gene: BAZ2B (bromodomain adjacent to zinc finger domain 2B; minus strand). Cytogenetic location: 2q24.2.
Variant type: single nucleotide variant.
Coding change: c.562G>C on transcript NM_013450.4 (MANE Select); coding-DNA position 562, G replaced by C.
Protein change: p.Val188Leu; replaces valine 188 with leucine.
Molecular consequence: missense variant.
Genome position (GRCh38, 1-based): chr2:159,446,916, C>G on the plus strand (G>C on the coding strand, the complement: BAZ2B is on the minus strand). VCF-style: chr2-159446916-C-G. GRCh37 (hg19) VCF-style: chr2-160303427-C-G.
Other names: c.556G>C, p.Val186Leu (NM_001289975.1); c.373G>C, p.Val125Leu (NM_001329857.2); c.562G>C, p.Val188Leu (NM_001329858.2); short protein forms V188L, V125L, V186L.
Identifiers: ClinVar variation 3133113 (VCV003133113.2), dbSNP rs370498592, ClinGen allele CA58721939.